The following is an entry in ClinVar:

ClinVar aggregate classification (germline): Conflicting classifications of pathogenicity. Review status: criteria provided, conflicting classifications (1 of 4 stars). 2 submissions from 2 submitters: Uncertain significance (1); Likely benign (1). Last evaluated 2026-01-19.

Conditions:
Hereditary cancer-predisposing syndrome. Also called: Neoplastic Syndromes, Hereditary; Hereditary neoplastic syndrome; Tumor predisposition; Hereditary Cancer Syndrome. Identifiers: Orphanet 140162, MedGen C0027672, MeSH D009386, MONDO:0015356.
Tuberous sclerosis 1 (TSC1). Identifiers: Orphanet 805, MedGen C1854465, MONDO:0008612, OMIM 191100.

Allele frequency attached by ClinVar (database versions not stated): gnomAD exomes below 0.00001; ExAC 0.00001.
gnomAD v4.1: 5 of 1,613,668 alleles (0.00031%); highest among the groups gnomAD compares: East Asian, 0.0022%; no homozygotes.

Submissions (2):

Labcorp Genetics (formerly Invitae), Labcorp
Classification: Likely benign for Tuberous sclerosis 1. Last evaluated: 2026-01-19. Review status: criteria provided, single submitter. Criteria: Invitae Variant Classification Sherloc (09022015). Collection method: clinical testing. Allele origin: germline.

Ambry Genetics
Classification: Uncertain significance for Hereditary cancer-predisposing syndrome. Last evaluated: 2023-10-21. Review status: criteria provided, single submitter. Criteria: Ambry Variant Classification Scheme 2023. Collection method: clinical testing. Allele origin: germline.
Comment: The p.C996Y variant (also known as c.2987G>A), located in coding exon 21 of the TSC1 gene, results from a G to A substitution at nucleotide position 2987. The cysteine at codon 996 is replaced by tyrosine, an amino acid with highly dissimilar properties. This amino acid position is conserved. In addition, this alteration is predicted to be tolerated by in silico analysis. Since supporting evidence is limited at this time, the clinical significance of this alteration remains unclear.

NM_000368.5(TSC1):c.2987G>A (p.Cys996Tyr)

Gene: TSC1 (TSC complex subunit 1; minus strand). Cytogenetic location: 9q34.13.
Variant type: single nucleotide variant.
Coding change: c.2987G>A on transcript NM_000368.5 (MANE Select); coding-DNA position 2987, G replaced by A.
Protein change: p.Cys996Tyr; replaces cysteine 996 with tyrosine.
Molecular consequence: missense variant.
Genome position (GRCh38, 1-based): chr9:132,896,743, C>T on the plus strand (G>A on the coding strand, the complement: TSC1 is on the minus strand). VCF-style: chr9-132896743-C-T. GRCh37 (hg19) VCF-style: chr9-135772130-C-T.
Other names: c.2984G>A, p.Cys995Tyr (NM_001162426.2); c.2834G>A, p.Cys945Tyr (NM_001162427.2); c.2624G>A, p.Cys875Tyr (NM_001362177.2); short protein forms C995Y, C996Y, C945Y, C875Y.
Identifiers: ClinVar variation 835706 (VCV000835706.12), dbSNP rs771810884, ClinGen allele CA035478.